The following is an entry in ClinVar:

ClinVar aggregate classification (germline): Uncertain significance (1 of 4 stars; one submission).

Conditions:
Gorlin syndrome. Also called: Basal cell nevus syndrome; Nevoid Basal Cell Carcinoma Syndrome. Identifiers: Orphanet 377, MedGen C0004779, MONDO:0007187.

Allele frequency attached by ClinVar (database versions not stated): gnomAD exomes below 0.00001.
gnomAD v4.1: 3 of 1,614,176 alleles (0.00019%); highest among the groups gnomAD compares: Non-Finnish European, 0.00025%; no homozygotes.

Submission:

Labcorp Genetics (formerly Invitae), Labcorp
Classification: Uncertain significance for Gorlin syndrome. Last evaluated: 2022-07-25. Review status: criteria provided, single submitter. Criteria: Invitae Variant Classification Sherloc (09022015). Collection method: clinical testing. Allele origin: germline.
Comment: In summary, the available evidence is currently insufficient to determine the role of this variant in disease. Therefore, it has been classified as a Variant of Uncertain Significance. Advanced modeling of protein sequence and biophysical properties (such as structural, functional, and spatial information, amino acid conservation, physicochemical variation, residue mobility, and thermodynamic stability) performed at Invitae indicates that this missense variant is not expected to disrupt PTCH1 protein function. This variant has not been reported in the literature in individuals affected with PTCH1-related conditions. This variant is not present in population databases (gnomAD no frequency). This sequence change replaces tyrosine, which is neutral and polar, with histidine, which is basic and polar, at codon 1001 of the PTCH1 protein (p.Tyr1001His).

NM_000264.5(PTCH1):c.3001T>C (p.Tyr1001His)

Gene: PTCH1 (patched 1; minus strand). Cytogenetic location: 9q22.32.
Variant type: single nucleotide variant.
Coding change: c.3001T>C on transcript NM_000264.5 (MANE Select); coding-DNA position 3001, T replaced by C.
Protein change: p.Tyr1001His; replaces tyrosine 1001 with histidine.
Molecular consequence: missense variant. On other transcripts: non-coding transcript variant (1).
Genome position (GRCh38, 1-based): chr9:95,458,180, A>G on the plus strand (T>C on the coding strand, the complement: PTCH1 is on the minus strand). VCF-style: chr9-95458180-A-G. GRCh37 (hg19) VCF-style: chr9-98220462-A-G.
Other names: c.2803T>C, p.Tyr935His (NM_001083602.3); c.2998T>C, p.Tyr1000His (NM_001083603.3); c.2548T>C, p.Tyr850His (NM_001083604.3, NM_001083605.3, NM_001083606.3 and 1 more transcripts); c.2845T>C, p.Tyr949His (NM_001354918.2); short protein forms Y1001H, Y1000H, Y850H, Y935H, Y949H.
Identifiers: ClinVar variation 2039702 (VCV002039702.4), dbSNP rs2538068727, ClinGen allele CA374112601.